The following is an entry in ClinVar:

ClinVar aggregate classification (germline): Uncertain significance (1 of 4 stars; one submission).

Conditions:
Inborn genetic diseases. Identifiers: MedGen C0950123, MeSH D030342.

gnomAD v4.1: 2 of 1,614,172 alleles (0.00012%); highest among the groups gnomAD compares: South Asian, 0.0022%; no homozygotes.

Submission:

Ambry Genetics
Classification: Uncertain significance for Inborn genetic diseases. Last evaluated: 2025-02-24. Review status: criteria provided, single submitter. Criteria: Ambry Variant Classification Scheme 2023. Collection method: clinical testing. Allele origin: germline.
Comment: The p.H244D variant (also known as c.730C>G), located in coding exon 5 of the ETV6 gene, results from a C to G substitution at nucleotide position 730. The histidine at codon 244 is replaced by aspartic acid, an amino acid with similar properties. This amino acid position is conserved. In addition, this alteration is predicted to be tolerated by in silico analysis. Based on the available evidence, the clinical significance of this variant remains unclear.

NM_001987.5(ETV6):c.730C>G (p.His244Asp)

Gene: ETV6 (ETS variant transcription factor 6; plus strand). Cytogenetic location: 12p13.2.
Variant type: single nucleotide variant.
Coding change: c.730C>G on transcript NM_001987.5 (MANE Select); coding-DNA position 730, C replaced by G.
Protein change: p.His244Asp; replaces histidine 244 with aspartic acid.
Molecular consequence: missense variant.
Genome position (GRCh38, 1-based): chr12:11,869,690, C>G. VCF-style: chr12-11869690-C-G. GRCh37 (hg19) VCF-style: chr12-12022624-C-G.
Other names: c.727C>G, p.His243Asp (NM_001413913.1); c.703C>G, p.His235Asp (NM_001413914.1); c.466C>G, p.His156Asp (NM_001413915.1); c.730C>G, p.His244Asp (NM_001413916.1, NM_001413917.1); short protein forms H235D, H243D, H244D, H156D.
Identifiers: ClinVar variation 3846547 (VCV003846547.1).